The following is an entry in ClinVar:

NM_001098512.3(PRKG1):c.91G>A (p.Glu31Lys)

Gene: PRKG1 (protein kinase cGMP-dependent 1; plus strand). Cytogenetic location: 10q11.23.
Variant type: single nucleotide variant.
Coding change: c.91G>A on transcript NM_001098512.3; coding-DNA position 91, G replaced by A.
Protein change: p.Glu31Lys; replaces glutamic acid 31 with lysine.
Molecular consequence: missense variant.
Genome position (GRCh38, 1-based): chr10:50,991,469, G>A. VCF-style: chr10-50991469-G-A. GRCh37 (hg19) VCF-style: chr10-52751229-G-A.
Other names: short protein forms E31K.
Identifiers: ClinVar variation 2630685 (VCV002630685.1), dbSNP rs1353068439, ClinGen allele CA376825549.

ClinVar aggregate classification (germline): Uncertain significance (1 of 4 stars; one submission).

Conditions:
PRKG1-related disorder. Also called: PRKG1-related condition.

Submission:

PreventionGenetics, part of Exact Sciences
Classification: Uncertain significance for PRKG1-related condition. Last evaluated: 2023-08-22. Review status: criteria provided, single submitter. Criteria: ACMG Guidelines, 2015. Collection method: clinical testing. Allele origin: germline.
Comment: The PRKG1 c.91G>A variant is predicted to result in the amino acid substitution p.Glu31Lys. To our knowledge, this variant has not been reported in the literature or in a large population database, indicating this variant is rare. At this time, the clinical significance of this variant is uncertain due to the absence of conclusive functional and genetic evidence.